The following is an entry in ClinVar:

NM_004329.3(BMPR1A):c.1529C>A (p.Ser510Tyr)

Gene: BMPR1A (bone morphogenetic protein receptor type 1A; plus strand). Cytogenetic location: 10q23.2.
Variant type: single nucleotide variant.
Coding change: c.1529C>A on transcript NM_004329.3 (MANE Select); coding-DNA position 1529, C replaced by A.
Protein change: p.Ser510Tyr; replaces serine 510 with tyrosine.
Molecular consequence: missense variant. On other transcripts: non-coding transcript variant (3).
Genome position (GRCh38, 1-based): chr10:86,923,649, C>A. VCF-style: chr10-86923649-C-A. GRCh37 (hg19) VCF-style: chr10-88683406-C-A.
Other names: c.1529C>A, p.Ser510Tyr (NM_001406565.1, NM_001406566.1, NM_001406570.1 and 19 more transcripts); c.1523C>A, p.Ser508Tyr (NM_001406583.1); c.1445C>A, p.Ser482Tyr (NM_001406584.1, NM_001406585.1, NM_001406586.1 and 2 more transcripts); c.1604C>A, p.Ser535Tyr (NM_001406559.1); c.1577C>A, p.Ser526Tyr (NM_001406560.1); c.1187C>A, p.Ser396Tyr (NM_001406589.1); short protein forms S396Y, S482Y, S535Y, S508Y, S510Y, S526Y.
Identifiers: ClinVar variation 3992022 (VCV003992022.1).

ClinVar aggregate classification (germline): Uncertain significance (1 of 4 stars; one submission).

Conditions:
Hereditary cancer-predisposing syndrome. Also called: Tumor predisposition; Hereditary neoplastic syndrome; Neoplastic Syndromes, Hereditary; Hereditary Cancer Syndrome. Identifiers: Orphanet 140162, MedGen C0027672, MeSH D009386, MONDO:0015356.

Submission:

Ambry Genetics
Classification: Uncertain significance for Hereditary cancer-predisposing syndrome. Last evaluated: 2025-04-22. Review status: criteria provided, single submitter. Criteria: Ambry Variant Classification Scheme 2023. Collection method: clinical testing. Allele origin: germline.
Comment: The p.S510Y variant (also known as c.1529C>A), located in coding exon 11 of the BMPR1A gene, results from a C to A substitution at nucleotide position 1529. The serine at codon 510 is replaced by tyrosine, an amino acid with dissimilar properties. This amino acid position is highly conserved in available vertebrate species. In addition, this alteration is predicted to be deleterious by in silico analysis. Based on the available evidence, the clinical significance of this variant remains unclear.